The following is an entry in ClinVar:

NM_014159.7(SETD2):c.6151A>G (p.Thr2051Ala)

Gene: SETD2 (SET domain containing 2, histone lysine methyltransferase; minus strand). Cytogenetic location: 3p21.31.
Variant type: single nucleotide variant.
Coding change: c.6151A>G on transcript NM_014159.7 (MANE Select); coding-DNA position 6151, A replaced by G.
Protein change: p.Thr2051Ala; replaces threonine 2051 with alanine.
Molecular consequence: missense variant. On other transcripts: non-coding transcript variant (1).
Genome position (GRCh38, 1-based): chr3:47,062,305, T>C on the plus strand (A>G on the coding strand, the complement: SETD2 is on the minus strand). VCF-style: chr3-47062305-T-C. GRCh37 (hg19) VCF-style: chr3-47103795-T-C.
Other names: c.6019A>G, p.Thr2007Ala (NM_001349370.3); short protein forms T2007A, T2051A.
Identifiers: ClinVar variation 4755932 (VCV004755932.1).

ClinVar aggregate classification (germline): Uncertain significance (1 of 4 stars; one submission).

gnomAD v4.1: 1 of 1,612,672 alleles (0.000062%); highest among the groups gnomAD compares: Admixed American, 0.0017%; no homozygotes.

Submission:

GeneDx
Classification: Uncertain significance. Last evaluated: 2025-08-07. Review status: criteria provided, single submitter. Criteria: GeneDx Variant Classification Process June 2021. Collection method: clinical testing. Allele origin: germline. Affected: yes.
Comment: Not observed at significant frequency in large population cohorts (gnomAD); In silico analysis suggests that this missense variant does not alter protein structure/function; Has not been previously published as pathogenic or benign to our knowledge